The following is an entry in ClinVar:

ClinVar aggregate classification (germline): Likely benign (1 of 4 stars; one submission).

Submission:

CeGaT Center for Human Genetics Tuebingen
Classification: Likely benign. Last evaluated: 2026-06-01. Review status: criteria provided, single submitter. Criteria: CeGaT Center For Human Genetics Tuebingen Variant Classification Criteria Version 2. Collection method: clinical testing. Allele origin: germline. Affected: yes. Observed: 2 variant alleles.
Comment: PLIN4: PM2:Supporting, BP4, BP7

NM_001367868.2(PLIN4):c.885T>C (p.Thr295=)

Gene: PLIN4 (perilipin 4; minus strand). Cytogenetic location: 19p13.3.
Variant type: single nucleotide variant.
Coding change: c.885T>C on transcript NM_001367868.2 (MANE Select); coding-DNA position 885, T replaced by C.
Protein change: p.Thr295=; no amino-acid change (threonine 295 retained).
Molecular consequence: synonymous variant.
Genome position (GRCh38, 1-based): chr19:4,513,075, A>G on the plus strand (T>C on the coding strand, the complement: PLIN4 is on the minus strand). VCF-style: chr19-4513075-A-G. GRCh37 (hg19) VCF-style: chr19-4513087-A-G.
Other names: c.888T>C, p.Thr296= (NM_001393888.1, NM_001393889.1); c.885T>C, p.Thr295= (NM_001393890.1, NM_001393891.1).
Identifiers: ClinVar variation 4821027 (VCV004821027.4).